The following is an entry in ClinVar:

NM_000059.4(BRCA2):c.6372_6373dup (p.Thr2125fs)

Gene: BRCA2 (BRCA2 DNA repair associated; plus strand). Cytogenetic location: 13q13.1.
Variant type: Duplication.
Coding change: c.6372_6373dup on transcript NM_000059.4 (MANE Select); coding-DNA positions 6372 to 6373, 2 bases duplicated (AA; older notation c.6372_6373dupAA).
Protein change: p.Thr2125fs; shifts the reading frame from threonine 2125.
Molecular consequence: frameshift variant.
Genome position (GRCh38, 1-based): chr13:32,340,727-32,340,728, AA duplicated; duplicating any 2 consecutive bases within chr13:32,340,723-32,340,728 gives the same sequence; the c. name uses the placement nearest the transcript's 3' end. VCF-style (leftmost placement, unchanged base first): chr13-32340722-G-GAA. GRCh37 (hg19) VCF-style: chr13-32914859-G-GAA.
Other names: 6601insAA (Stop2137); short protein forms T2125fs.
Identifiers: ClinVar variation 266942 (VCV000266942.6), dbSNP rs80359577, ClinGen allele CA10589372.

ClinVar aggregate classification (germline): Pathogenic. Review status: reviewed by expert panel (3 of 4 stars). 3 submissions from 3 submitters: Pathogenic (1). 2 of the submissions do not count toward it. Last evaluated 2016-10-18.

Conditions:
Breast-ovarian cancer, familial, susceptibility to, 2 (BROVCA2). Also called: BRCA2 Hereditary Breast and Ovarian Cancer. Identifiers: Orphanet 145, MedGen C2675520, MONDO:0012933, OMIM 612555. Disease mechanism: loss of function.

Submissions (3):

Evidence-based Network for the Interpretation of Germline Mutant Alleles (ENIGMA)
Classification: Pathogenic for Breast-ovarian cancer, familial, susceptibility to, 2. Last evaluated: 2016-10-18. Review status: reviewed by expert panel. Criteria: ENIGMA BRCA1/2 Classification Criteria (2015). Collection method: curation. Allele origin: germline.
Comment: Variant allele predicted to encode a truncated non-functional protein.

Consortium of Investigators of Modifiers of BRCA1/2 (CIMBA), c/o University of Cambridge
Classification: Pathogenic for Breast-ovarian cancer, familial, susceptibility to, 2. Last evaluated: 2015-10-02. Review status: criteria provided, single submitter. Criteria: CIMBA Mutation Classification guidelines May 2016. Collection method: clinical testing. Allele origin: germline. Not counted in ClinVar's aggregate classification.

BRCAlab, Lund University
Classification: Pathogenic for Breast-ovarian cancer, familial, susceptibility to, 2. Last evaluated: 2020-03-02. Review status: no assertion criteria provided. Collection method: clinical testing. Allele origin: germline. Affected: yes. Not counted in ClinVar's aggregate classification.